The following is an entry in ClinVar:

NM_001376013.1(EPB41):c.640G>C (p.Val214Leu)

Gene: EPB41 (erythrocyte membrane protein band 4.1; plus strand). Cytogenetic location: 1p35.3.
Variant type: single nucleotide variant.
Coding change: c.640G>C on transcript NM_001376013.1 (MANE Select); coding-DNA position 640, G replaced by C.
Protein change: p.Val214Leu; replaces valine 214 with leucine.
Molecular consequence: missense variant.
Genome position (GRCh38, 1-based): chr1:28,993,501, G>C. VCF-style: chr1-28993501-G-C. GRCh37 (hg19) VCF-style: chr1-29320013-G-C.
Other names: c.640G>C, p.Val214Leu (NM_001166005.2, NM_001166006.2, NM_001376014.1 and 8 more transcripts); c.13G>C, p.Val5Leu (NM_001166007.2, NM_001376022.1, NM_001376023.1 and 7 more transcripts); short protein forms V5L, V214L.
Identifiers: ClinVar variation 452977 (VCV000452977.3), dbSNP rs111642750, ClinGen allele CA339524597.

ClinVar aggregate classification (germline): Uncertain significance. Review status: criteria provided, multiple submitters, no conflicts (2 of 4 stars). 2 submissions from 2 submitters: Uncertain significance (2). Last evaluated 2024-10-31.

Conditions:
Elliptocytosis 1 (EL1). Also called: PROTEIN 4.1 OF ERYTHROCYTE MEMBRANE, DEFECT OF; 4.1- TRAIT; 4.1-MINUS TRAIT; ELLIPTOCYTOSIS, RHESUS-LINKED TYPE. Identifiers: Orphanet 288, MedGen C2678497, MONDO:0012731, OMIM 611804.

gnomAD v4.1: 3 of 1,614,004 alleles (0.00019%); highest among the groups gnomAD compares: Non-Finnish European, 0.00025%; no homozygotes.

Submissions (2):

ARUP Laboratories, Molecular Genetics and Genomics, ARUP Laboratories
Classification: Uncertain significance for Elliptocytosis 1. Last evaluated: 2024-10-31. Review status: criteria provided, single submitter. Criteria: ARUP Molecular Germline Variant Investigation Process 2024. Collection method: clinical testing. Allele origin: germline.
Comment: The EPB41 c.13G>C; p.Val5Leu variant (rs111642750), also known as p.Val214Leu for NM_001376013, to our knowledge, is not reported in the medical literature but is reported in ClinVar (Variation ID: 452977). This variant is also absent from the Genome Aggregation Database (v2.1.1), indicating it is not a common polymorphism. Computational analyses predict that this variant is deleterious (REVEL: 0.717). However, given the lack of clinical and functional data, the significance of this variant is uncertain at this time.

GeneDx
Classification: Uncertain significance. Last evaluated: 2017-10-23. Review status: criteria provided, single submitter. Criteria: GeneDx Variant Classification (06012015). Collection method: clinical testing. Allele origin: germline. Affected: yes.
Comment: The V5L variant in the EPB41 gene has not been reported previously as a pathogenic variant, nor as abenign variant, to our knowledge. The V5L variant is not observed in large population cohorts (Lek etal., 2016). The V5L variant is a conservative amino acid substitution, which is not likely to impact secondary protein structure as these residues share similar properties. This substitution occurs at a position that is conserved across species. In silico analysis predicts this variant is probably damaging to the protein structure/function. We interpret V5L as a variant of uncertain significance.